The following is an entry in ClinVar:

NM_207015.3(NAALADL2):c.559C>G (p.Leu187Val)

Gene: NAALADL2 (N-acetylated alpha-linked acidic dipeptidase like 2; plus strand). Cytogenetic location: 3q26.31.
Variant type: single nucleotide variant.
Coding change: c.559C>G on transcript NM_207015.3 (MANE Select); coding-DNA position 559, C replaced by G.
Protein change: p.Leu187Val; replaces leucine 187 with valine.
Molecular consequence: missense variant.
Genome position (GRCh38, 1-based): chr3:175,233,944, C>G. VCF-style: chr3-175233944-C-G. GRCh37 (hg19) VCF-style: chr3-174951734-C-G.
Other names: short protein forms L187V.
Identifiers: ClinVar variation 3050700 (VCV003050700.3), dbSNP rs182698376, ClinGen allele CA2709082.

ClinVar aggregate classification (germline): Uncertain significance. Review status: criteria provided, single submitter (1 of 4 stars). 2 submissions from 2 submitters: Uncertain significance (1). 1 of the submissions does not count toward it. Last evaluated 2025-08-09.

Conditions:
NAALADL2-related disorder. Also called: NAALADL2-related condition.

Allele frequency attached by ClinVar (database versions not stated): gnomAD exomes 0.00008; ExAC 0.00026; 1000 Genomes Project 0.00060; 1000 Genomes Project 30x 0.00062; gnomAD 0.00077; TOPMed 0.00095; ESP Exome Variant Server 0.00102.
gnomAD v4.1: 247 of 1,576,484 alleles (0.016%); highest among the groups gnomAD compares: African/African-American, 0.3%; 1 homozygote.

Submissions (2):

Ambry Genetics
Classification: Uncertain significance. Last evaluated: 2025-08-09. Review status: criteria provided, single submitter. Criteria: Ambry Variant Classification Scheme 2023. Collection method: clinical testing. Allele origin: germline.

PreventionGenetics, part of Exact Sciences
Classification: Likely benign for NAALADL2-related condition. Last evaluated: 2022-05-20. Review status: no assertion criteria provided. Collection method: clinical testing. Allele origin: germline. Not counted in ClinVar's aggregate classification.
Comment: This variant is classified as likely benign based on ACMG/AMP sequence variant interpretation guidelines (Richards et al. 2015 PMID: 25741868, with internal and published modifications).